The following is an entry in ClinVar:

NM_015512.5(DNAH1):c.916G>A (p.Gly306Ser)

Gene: DNAH1 (dynein axonemal heavy chain 1; plus strand). Cytogenetic location: 3p21.1.
Variant type: single nucleotide variant.
Coding change: c.916G>A on transcript NM_015512.5 (MANE Select); coding-DNA position 916, G replaced by A.
Protein change: p.Gly306Ser; replaces glycine 306 with serine.
Molecular consequence: missense variant.
Genome position (GRCh38, 1-based): chr3:52,331,192, G>A. VCF-style: chr3-52331192-G-A. GRCh37 (hg19) VCF-style: chr3-52365208-G-A.
Other names: short protein forms G306S.
Identifiers: ClinVar variation 2148611 (VCV002148611.4), dbSNP rs761962640, ClinGen allele CA2432813.

ClinVar aggregate classification (germline): Uncertain significance (1 of 4 stars; one submission).

Conditions:
Spermatogenic failure 18. Identifiers: MedGen C4539783, MONDO:0054615, OMIM 617576.
Ciliary dyskinesia, primary, 37 (CILD37). Also called: CILIARY DYSKINESIA, PRIMARY, 37, WITH OR WITHOUT SITUS INVERSUS. Identifiers: MedGen C4539798, MONDO:0033204, OMIM 617577.

Allele frequency attached by ClinVar (database versions not stated): TOPMed 0.00003; gnomAD 0.00002; ExAC 0.00003; gnomAD exomes 0.00003.
gnomAD v4.1: 42 of 1,606,518 alleles (0.0026%); highest among the groups gnomAD compares: Admixed American, 0.0034%; no homozygotes.

Submission:

Labcorp Genetics (formerly Invitae), Labcorp
Classification: Uncertain significance for Ciliary dyskinesia, primary, 37; Spermatogenic failure 18. Last evaluated: 2025-06-12. Review status: criteria provided, single submitter. Criteria: Invitae Variant Classification Sherloc (09022015). Collection method: clinical testing. Allele origin: germline.
Comment: This sequence change replaces glycine, which is neutral and non-polar, with serine, which is neutral and polar, at codon 306 of the DNAH1 protein (p.Gly306Ser). This variant is present in population databases (rs761962640, gnomAD 0.006%). This variant has not been reported in the literature in individuals affected with DNAH1-related conditions. ClinVar contains an entry for this variant (Variation ID: 2148611). An algorithm developed to predict the effect of missense changes on protein structure and function (PolyPhen-2) suggests that this variant is likely to be tolerated. In summary, the available evidence is currently insufficient to determine the role of this variant in disease. Therefore, it has been classified as a Variant of Uncertain Significance.